The following is an entry in ClinVar:

NM_130384.3(ATRIP):c.56G>T (p.Arg19Leu)

Genes: ATRIP (ATR interacting protein; plus strand), ATRIP-TREX1 (ATRIP-TREX1 readthrough; plus strand), LOC129936703 (ATAC-STARR-seq lymphoblastoid silent region 14331; plus strand). Cytogenetic location: 3p21.31.
Variant type: single nucleotide variant.
Coding change: c.56G>T on transcript NM_130384.3 (MANE Select); coding-DNA position 56, G replaced by T.
Protein change: p.Arg19Leu; replaces arginine 19 with leucine.
Molecular consequence: missense variant. On other transcripts: non-coding transcript variant (1), intron variant (1).
Genome position (GRCh38, 1-based): chr3:48,446,901, G>T. VCF-style: chr3-48446901-G-T. GRCh37 (hg19) VCF-style: chr3-48488305-G-T.
Other names: c.56G>T, p.Arg19Leu (NM_032166.4); c.-218+102G>T (NM_001271022.2); short protein forms R19L.
Identifiers: ClinVar variation 4182793 (VCV004182793.1).

ClinVar aggregate classification (germline): Uncertain significance (1 of 4 stars; one submission).

Submission:

Ambry Genetics
Classification: Uncertain significance. Last evaluated: 2025-09-12. Review status: criteria provided, single submitter. Criteria: Ambry Variant Classification Scheme 2023. Collection method: clinical testing. Allele origin: germline.
Comment: The p.R19L variant (also known as c.56G>T), located in coding exon 1 of the ATRIP gene, results from a G to T substitution at nucleotide position 56. The arginine at codon 19 is replaced by leucine, an amino acid with dissimilar properties. This amino acid position is conserved. In addition, this alteration is predicted to be tolerated by in silico analysis. Based on the available evidence, the clinical significance of this variant remains unclear.